The following is an entry in ClinVar:

ClinVar aggregate classification (germline): Uncertain significance (1 of 4 stars; one submission).

Conditions:
Immunodeficiency 67. Also called: Immunodeficiency due to interleukin-1 receptor-associated kinase-4 deficiency. Identifiers: Orphanet 70592, MedGen C1843256, MONDO:0011888, OMIM 607676.

gnomAD v4.1: 3 of 1,595,576 alleles (0.00019%); highest among the groups gnomAD compares: Non-Finnish European, 0.00026%; no homozygotes.

Submission:

Labcorp Genetics (formerly Invitae), Labcorp
Classification: Uncertain significance for Immunodeficiency 67. Last evaluated: 2022-01-26. Review status: criteria provided, single submitter. Criteria: Invitae Variant Classification Sherloc (09022015). Collection method: clinical testing. Allele origin: germline.
Comment: This variant has not been reported in the literature in individuals affected with IRAK4-related conditions. This variant is not present in population databases (gnomAD no frequency). This sequence change replaces valine, which is neutral and non-polar, with phenylalanine, which is neutral and non-polar, at codon 219 of the IRAK4 protein (p.Val219Phe). ClinVar contains an entry for this variant (Variation ID: 1038378). In summary, the available evidence is currently insufficient to determine the role of this variant in disease. Therefore, it has been classified as a Variant of Uncertain Significance. Algorithms developed to predict the effect of missense changes on protein structure and function are either unavailable or do not agree on the potential impact of this missense change (SIFT: "Tolerated"; PolyPhen-2: "Possibly Damaging"; Align-GVGD: "Class C0").

NM_016123.4(IRAK4):c.655G>T (p.Val219Phe)

Gene: IRAK4 (interleukin 1 receptor associated kinase 4; plus strand). Cytogenetic location: 12q12.
Variant type: single nucleotide variant.
Coding change: c.655G>T on transcript NM_016123.4 (MANE Select); coding-DNA position 655, G replaced by T.
Protein change: p.Val219Phe; replaces valine 219 with phenylalanine.
Molecular consequence: missense variant.
Genome position (GRCh38, 1-based): chr12:43,773,968, G>T. VCF-style: chr12-43773968-G-T. GRCh37 (hg19) VCF-style: chr12-44167771-G-T.
Other names: c.655G>T, p.Val219Phe (NM_001114182.3, NM_001351345.2); c.283G>T, p.Val95Phe (NM_001145256.2, NM_001145257.2, NM_001145258.2 and 5 more transcripts); c.46G>T, p.Val16Phe (NM_001351343.2, NM_001351344.2); short protein forms V219F, V16F, V95F.
Identifiers: ClinVar variation 1038378 (VCV001038378.9), dbSNP rs1941030825, ClinGen allele CA384471803.